The following is an entry in ClinVar:

NM_014396.4(VPS41):c.2376G>A (p.Glu792=)

Gene: VPS41 (VPS41 subunit of HOPS complex; minus strand). Cytogenetic location: 7p14.1.
Variant type: single nucleotide variant.
Coding change: c.2376G>A on transcript NM_014396.4 (MANE Select); coding-DNA position 2376, G replaced by A.
Protein change: p.Glu792=; no amino-acid change (glutamic acid 792 retained).
Molecular consequence: synonymous variant.
Genome position (GRCh38, 1-based): chr7:38,728,570, C>T on the plus strand (G>A on the coding strand, the complement: VPS41 is on the minus strand). VCF-style: chr7-38728570-C-T. GRCh37 (hg19) VCF-style: chr7-38768170-C-T.
Other names: c.2301G>A, p.Glu767= (NM_080631.4).
Identifiers: ClinVar variation 2657391 (VCV002657391.24), dbSNP rs374600470, ClinGen allele CA4226445.
Genomic context (GRCh38, chr7:38,728,570, plus strand): 5'-GTTTGGGATTTTTTTGGGGAAAACCTTCTTACCTGATGGAAGAATAGGGGAAAGGCACGA[C>T]TCACAGATGTTCTCCTCTGTAAGAAAACACACATACTTTGGATTATGCCCTGTTTATACC-3'
Protein context (NP_055211.2, residues 782-802): GVLVDEENIC[Glu792=]SCLSPILPSD

ClinVar aggregate classification (germline): Likely benign (1 of 4 stars; one submission).

Allele frequency attached by ClinVar (database versions not stated): gnomAD 0.00001; ExAC 0.00003; gnomAD exomes below 0.00001.
gnomAD v4.1: 8 of 1,614,020 alleles (0.0005%); highest among the groups gnomAD compares: East Asian, 0.0067%; no homozygotes.

Submission:

CeGaT Center for Human Genetics Tuebingen
Classification: Likely benign. Last evaluated: 2022-11-01. Review status: criteria provided, single submitter. Criteria: CeGaT Center For Human Genetics Tuebingen Variant Classification Criteria Version 2. Collection method: clinical testing. Allele origin: germline. Affected: yes. Observed: 1 variant allele.
Comment: VPS41: BP4, BP7